The following is an entry in ClinVar:

ClinVar aggregate classification (germline): Uncertain significance. Review status: criteria provided, multiple submitters, no conflicts (2 of 4 stars). 5 submissions from 5 submitters: Uncertain significance (5). Last evaluated 2025-07-23.

Conditions:
Hereditary cancer-predisposing syndrome. Also called: Hereditary neoplastic syndrome; Neoplastic Syndromes, Hereditary; Tumor predisposition; Hereditary Cancer Syndrome. Identifiers: Orphanet 140162, MedGen C0027672, MeSH D009386, MONDO:0015356.
Familial adenomatous polyposis 1 (FAP1). Also called: POLYPOSIS, ADENOMATOUS INTESTINAL; FAMILIAL ADENOMATOUS POLYPOSIS 1, ATTENUATED. Identifiers: MedGen C2713442, MONDO:0021056, OMIM 175100. Disease mechanism: loss of function.
Classic or attenuated familial adenomatous polyposis. Identifiers: MedGen CN372698, MONDO:0021057.

Allele frequency attached by ClinVar (database versions not stated): gnomAD exomes below 0.00001 and 0.00001; ExAC 0.00002; TOPMed 0.00002; ESP Exome Variant Server 0.00008.
gnomAD v4.1: 2 of 1,614,032 alleles (0.00012%); highest among the groups gnomAD compares: African/African-American, 0.0027%; no homozygotes.

Submissions (5):

Labcorp Genetics (formerly Invitae), Labcorp
Classification: Uncertain significance for Familial adenomatous polyposis 1. Last evaluated: 2025-07-23. Review status: criteria provided, single submitter. Criteria: Invitae Variant Classification Sherloc (09022015). Collection method: clinical testing. Allele origin: germline.
Comment: This sequence change replaces aspartic acid, which is acidic and polar, with tyrosine, which is neutral and polar, at codon 2696 of the APC protein (p.Asp2696Tyr). This variant is present in population databases (rs368724873, gnomAD 0.02%). This variant has not been reported in the literature in individuals affected with APC-related conditions. ClinVar contains an entry for this variant (Variation ID: 470129). Invitae Evidence Modeling of protein sequence and biophysical properties (such as structural, functional, and spatial information, amino acid conservation, physicochemical variation, residue mobility, and thermodynamic stability) indicates that this missense variant is not expected to disrupt APC protein function with a negative predictive value of 95%. In summary, the available evidence is currently insufficient to determine the role of this variant in disease. Therefore, it has been classified as a Variant of Uncertain Significance.

Quest Diagnostics Nichols Institute San Juan Capistrano
Classification: Uncertain significance. Last evaluated: 2025-06-19. Review status: criteria provided, single submitter. Criteria: Quest Diagnostics criteria. Collection method: clinical testing. Allele origin: unknown.
Comment: The APC c.8086G>T (p.Asp2696Tyr) variant has not been reported in individuals with APC-related conditions in the published literature. The frequency of this variant in the general population (Genome Aggregation Database) is higher than would generally be expected for pathogenic variants in this gene. Analysis of this variant using bioinformatics tools for the prediction of the effect of amino acid changes on protein structure and function yielded predictions that this variant is damaging. Based on the available information, we are unable to determine the clinical significance of this variant.

Color Diagnostics, LLC DBA Color Health
Classification: Uncertain significance for Hereditary cancer-predisposing syndrome. Last evaluated: 2024-03-06. Review status: criteria provided, single submitter. Criteria: ACMG Guidelines, 2015. Collection method: clinical testing. Allele origin: germline.
Comment: This missense variant replaces aspartic acid with tyrosine at codon 2696 of the APC protein. Computational prediction suggests that this variant may not impact protein structure and function (internally defined REVEL score threshold <= 0.5, PMID: 27666373). To our knowledge, functional studies have not been reported for this variant. This variant has not been reported in individuals affected with hereditary cancer in the literature. This variant has been identified in 3/251340 chromosomes in the general population by the Genome Aggregation Database (gnomAD). The available evidence is insufficient to determine the role of this variant in disease conclusively. Therefore, this variant is classified as a Variant of Uncertain Significance.

All of Us Research Program, National Institutes of Health
Classification: Uncertain significance for Classic or attenuated familial adenomatous polyposis. Last evaluated: 2023-03-07. Review status: criteria provided, single submitter. Criteria: ACMG Guidelines, 2015. Collection method: clinical testing. Allele origin: germline. Inheritance: Autosomal dominant inheritance. Observed: 1 variant allele, 1 heterozygote.
Comment: This missense variant replaces aspartic acid with tyrosine at codon 2696 of the APC protein. Computational prediction suggests that this variant may not impact protein structure and function (internally defined REVEL score threshold <= 0.5, PMID: 27666373). To our knowledge, functional studies have not been reported for this variant. This variant has not been reported in individuals affected with hereditary cancer in the literature. This variant has been identified in 3/251340 chromosomes in the general population by the Genome Aggregation Database (gnomAD). The available evidence is insufficient to determine the role of this variant in disease conclusively. Therefore, this variant is classified as a Variant of Uncertain Significance.

This study involves interpretation of variants in research participants for the purpose of population health screening. Participant phenotype was not available at the time of variant classification. Additional details can be found in publication PMID: 35346344, PMCID: PMC8962531

Ambry Genetics
Classification: Uncertain significance for Hereditary cancer-predisposing syndrome. Last evaluated: 2019-11-08. Review status: criteria provided, single submitter. Criteria: Ambry Variant Classification Scheme 2023. Collection method: clinical testing. Allele origin: germline.
Comment: The p.D2696Y variant (also known as c.8086G>T), located in coding exon 15 of the APC gene, results from a G to T substitution at nucleotide position 8086. The aspartic acid at codon 2696 is replaced by tyrosine, an amino acid with highly dissimilar properties. This amino acid position is well conserved in available vertebrate species. In addition, in silico predictors for this gene do not accurately predict pathogenicity. Since supporting evidence is limited at this time, the clinical significance of this alteration remains unclear.

NM_000038.6(APC):c.8086G>T (p.Asp2696Tyr)

Gene: APC (APC regulator of Wnt signaling pathway; plus strand). Cytogenetic location: 5q22.2.
Variant type: single nucleotide variant.
Coding change: c.8086G>T on transcript NM_000038.6 (MANE Select); coding-DNA position 8086, G replaced by T.
Protein change: p.Asp2696Tyr; replaces aspartic acid 2696 with tyrosine.
Molecular consequence: missense variant.
Genome position (GRCh38, 1-based): chr5:112,843,680, G>T. VCF-style: chr5-112843680-G-T. GRCh37 (hg19) VCF-style: chr5-112179377-G-T.
Other names: c.8086G>T, p.Asp2696Tyr (NM_001127510.3, NM_001354895.2); c.8032G>T, p.Asp2678Tyr (NM_001127511.3); c.8140G>T, p.Asp2714Tyr (NM_001354896.2); c.8116G>T, p.Asp2706Tyr (NM_001354897.2); c.8011G>T, p.Asp2671Tyr (NM_001354898.2); c.8002G>T, p.Asp2668Tyr (NM_001354899.2); c.7963G>T, p.Asp2655Tyr (NM_001354900.2); c.7909G>T, p.Asp2637Tyr (NM_001354901.2); and 5 more; short protein forms D2678Y, D2696Y, D2413Y, D2595Y, D2570Y, D2637Y, D2655Y, D2668Y.
Identifiers: ClinVar variation 470129 (VCV000470129.21), dbSNP rs368724873, ClinGen allele CA049854.